The following is an entry in ClinVar:

NM_138694.4(PKHD1):c.9473T>C (p.Met3158Thr)

Gene: PKHD1 (PKHD1 ciliary IPT domain containing fibrocystin/polyductin; minus strand). Cytogenetic location: 6p12.3.
Variant type: single nucleotide variant.
Coding change: c.9473T>C on transcript NM_138694.4 (MANE Select); coding-DNA position 9473, T replaced by C.
Protein change: p.Met3158Thr; replaces methionine 3158 with threonine.
Molecular consequence: missense variant.
Genome position (GRCh38, 1-based): chr6:51,748,143, A>G on the plus strand (T>C on the coding strand, the complement: PKHD1 is on the minus strand). VCF-style: chr6-51748143-A-G. GRCh37 (hg19) VCF-style: chr6-51612941-A-G.
Other names: c.9473T>C, p.Met3158Thr (NM_170724.3); short protein forms M3158T.
Identifiers: ClinVar variation 2139930 (VCV002139930.4), dbSNP rs2533814675, ClinGen allele CA364420986.

ClinVar aggregate classification (germline): Likely pathogenic (1 of 4 stars; one submission).

Conditions:
Autosomal recessive polycystic kidney disease (ARPKD). Also called: AR polycystic kidney disease. Identifiers: Orphanet 731, Orphanet 8378, MedGen C0085548, MeSH D017044, MONDO:0009889.

Submission:

Labcorp Genetics (formerly Invitae), Labcorp
Classification: Likely pathogenic for Autosomal recessive polycystic kidney disease. Last evaluated: 2022-07-30. Review status: criteria provided, single submitter. Criteria: Invitae Variant Classification Sherloc (09022015). Collection method: clinical testing. Allele origin: germline.
Comment: In summary, the currently available evidence indicates that the variant is pathogenic, but additional data are needed to prove that conclusively. Therefore, this variant has been classified as Likely Pathogenic. Advanced modeling of protein sequence and biophysical properties (such as structural, functional, and spatial information, amino acid conservation, physicochemical variation, residue mobility, and thermodynamic stability) performed at Invitae indicates that this missense variant is expected to disrupt PKHD1 protein function. This missense change has been observed in individual(s) with clinical features of PKHD1-related conditions (Invitae). In at least one individual the data is consistent with being in trans (on the opposite chromosome) from a pathogenic variant. This variant is not present in population databases (gnomAD no frequency). This sequence change replaces methionine, which is neutral and non-polar, with threonine, which is neutral and polar, at codon 3158 of the PKHD1 protein (p.Met3158Thr).